The following is an entry in ClinVar:

NM_018489.3(ASH1L):c.2453A>T (p.Asp818Val)

Gene: ASH1L (ASH1 like histone lysine methyltransferase; minus strand). Cytogenetic location: 1q22.
Variant type: single nucleotide variant.
Coding change: c.2453A>T on transcript NM_018489.3 (MANE Select); coding-DNA position 2453, A replaced by T.
Protein change: p.Asp818Val; replaces aspartic acid 818 with valine.
Molecular consequence: missense variant.
Genome position (GRCh38, 1-based): chr1:155,480,417, T>A on the plus strand (A>T on the coding strand, the complement: ASH1L is on the minus strand). VCF-style: chr1-155480417-T-A. GRCh37 (hg19) VCF-style: chr1-155450208-T-A.
Other names: c.2453A>T, p.Asp818Val (NM_001366177.2); short protein forms D818V.
Identifiers: ClinVar variation 3235068 (VCV003235068.1), dbSNP rs2527178576, ClinGen allele CA342723959.

ClinVar aggregate classification (germline): Uncertain significance (1 of 4 stars; one submission).

Conditions:
Intellectual developmental disorder, autosomal dominant 52. Also called: Intellectual disability, autosomal dominant 52; Mental retardation, autosomal dominant 52. Identifiers: MedGen C4540478, MONDO:0030918, OMIM 617796.

Submission:

Institute of Immunology and Genetics Kaiserslautern
Classification: Uncertain significance for Intellectual developmental disorder, autosomal dominant 52. Last evaluated: 2024-03-26. Review status: criteria provided, single submitter. Criteria: ACMG Guidelines, 2015. Collection method: clinical testing. Allele origin: germline. Affected: yes.
Comment: ACMG Criteria: PM2_P Variant was found in heterozygous state